The following is an entry in ClinVar:

NM_178857.6(RP1L1):c.4824C>A (p.His1608Gln)

Gene: RP1L1 (RP1 like 1). Cytogenetic location: 8p23.1.
Variant type: single nucleotide variant.
Coding change: c.4824C>A on transcript NM_178857.6 (MANE Select); coding-DNA position 4824, C replaced by A.
Protein change: p.His1608Gln; replaces histidine 1608 with glutamine.
Molecular consequence: missense variant.
Genome position (GRCh38, 1-based): chr8:10,609,274, G>T on the plus strand (C>A on the coding strand, the complement: RP1L1 is on the minus strand). VCF-style: chr8-10609274-G-T. GRCh37 (hg19) VCF-style: chr8-10466784-G-T.
Other names: short protein forms H1608Q.
Identifiers: ClinVar variation 4990471 (VCV004990471.1).

ClinVar aggregate classification (germline): Uncertain significance (1 of 4 stars; one submission).

Conditions:
RP1L1-related disorder. Also called: RP1L1-related condition.

gnomAD v4.1: 19 of 1,609,776 alleles (0.0012%); highest among the groups gnomAD compares: Non-Finnish European, 0.0015%; no homozygotes.

Submission:

PreventionGenetics, part of Exact Sciences
Classification: Uncertain significance for RP1L1-related condition. Last evaluated: 2024-12-12. Review status: criteria provided, single submitter. Criteria: ACMG Guidelines, 2015. Collection method: clinical testing. Allele origin: germline.
Comment: The RP1L1 c.4824C>A variant is predicted to result in the amino acid substitution p.His1608Gln. To our knowledge, this variant has not been reported in the literature or in a large population database (gnomAD), indicating this variant is rare. At this time, the clinical significance of this variant is uncertain due to the absence of conclusive functional and genetic evidence.